The following is an entry in ClinVar:

ClinVar aggregate classification (germline): Uncertain significance (1 of 4 stars; one submission).

Conditions:
Aicardi-Goutieres syndrome 7 (AGS7). Identifiers: Orphanet 51, MedGen C3888244, MONDO:0014367, OMIM 615846.
Singleton-Merten syndrome 1 (SGMRT1). Also called: Widened medullary cavities of bone, aortic calcification, abnormal dentition, and muscular weakness; Syndrome of widened medullary cavities of the metacarpals and phalanges, aortic calcification and abnormal dentition. Identifiers: Orphanet 85191, MedGen C4225427, MONDO:0024535, OMIM 182250.

gnomAD v4.1: 5 of 1,614,172 alleles (0.00031%); highest among the groups gnomAD compares: South Asian, 0.0022%; no homozygotes.

Submission:

Labcorp Genetics (formerly Invitae), Labcorp
Classification: Uncertain significance for Aicardi-Goutieres syndrome 7; Singleton-Merten syndrome 1. Last evaluated: 2025-02-24. Review status: criteria provided, single submitter. Criteria: Invitae Variant Classification Sherloc (09022015). Collection method: clinical testing. Allele origin: germline.
Comment: This sequence change replaces proline, which is neutral and non-polar, with serine, which is neutral and polar, at codon 105 of the IFIH1 protein (p.Pro105Ser). This variant is not present in population databases (gnomAD no frequency). This variant has not been reported in the literature in individuals affected with IFIH1-related conditions. Invitae Evidence Modeling of protein sequence and biophysical properties (such as structural, functional, and spatial information, amino acid conservation, physicochemical variation, residue mobility, and thermodynamic stability) has been performed for this missense variant. However, the output from this modeling did not meet the statistical confidence thresholds required to predict the impact of this variant on IFIH1 protein function. In summary, the available evidence is currently insufficient to determine the role of this variant in disease. Therefore, it has been classified as a Variant of Uncertain Significance.

NM_022168.4(IFIH1):c.313C>T (p.Pro105Ser)

Gene: IFIH1 (interferon induced with helicase C domain 1; minus strand). Cytogenetic location: 2q24.2.
Variant type: single nucleotide variant.
Coding change: c.313C>T on transcript NM_022168.4 (MANE Select); coding-DNA position 313, C replaced by T.
Protein change: p.Pro105Ser; replaces proline 105 with serine.
Molecular consequence: missense variant.
Genome position (GRCh38, 1-based): chr2:162,317,995, G>A on the plus strand (C>T on the coding strand, the complement: IFIH1 is on the minus strand). VCF-style: chr2-162317995-G-A. GRCh37 (hg19) VCF-style: chr2-163174505-G-A.
Other names: short protein forms P105S.
Identifiers: ClinVar variation 4790500 (VCV004790500.1).